The following is an entry in ClinVar:

NM_001009944.3(PKD1):c.3001C>T (p.His1001Tyr)

Gene: PKD1 (polycystin 1, transient receptor potential channel interacting; minus strand). Cytogenetic location: 16p13.3.
Variant type: single nucleotide variant.
Coding change: c.3001C>T on transcript NM_001009944.3 (MANE Select); coding-DNA position 3001, C replaced by T.
Protein change: p.His1001Tyr; replaces histidine 1001 with tyrosine.
Molecular consequence: missense variant.
Genome position (GRCh38, 1-based): chr16:2,112,948, G>A on the plus strand (C>T on the coding strand, the complement: PKD1 is on the minus strand). VCF-style: chr16-2112948-G-A. GRCh37 (hg19) VCF-style: chr16-2162949-G-A.
Other names: c.3001C>T, p.His1001Tyr (NM_000296.4); short protein forms H1001Y.
Identifiers: ClinVar variation 4137458 (VCV004137458.2).
Genomic context (GRCh38, chr16:2,112,948, plus strand): 5'-CCTGCATCCTGTTCATCCGCTCCACGGTTACGTTGTAGTTCACGGTGACGTTGCTCACGT[G>A]GTTGGAGGCCGTCAGCTGCAGGGACAGGCGTCAGTGAGCCCAGGTGGCAGGTGAGAGGCC-3'
Protein context (NP_001009944.3, residues 991-1011): VFKLSLTASN[His1001Tyr]VSNVTVNYNV

ClinVar aggregate classification (germline): Uncertain significance. Review status: criteria provided, multiple submitters, no conflicts (2 of 4 stars). 2 submissions from 2 submitters: Uncertain significance (2). Last evaluated 2026-07-21.

Conditions:
PKD1-related disorder. Also called: PKD1-related condition.
Inborn genetic diseases. Identifiers: MedGen C0950123, MeSH D030342.

gnomAD v4.1: 1 of 1,601,220 alleles (0.000062%); highest among the groups gnomAD compares: Non-Finnish European, 0.000085%; no homozygotes.

Submissions (2):

PreventionGenetics, part of Exact Sciences
Classification: Uncertain significance for PKD1-related condition. Last evaluated: 2026-07-21. Review status: criteria provided, single submitter. Criteria: ACMG Guidelines, 2015. Collection method: clinical testing. Allele origin: germline.
Comment: The PKD1 c.3001C>T variant is predicted to result in the amino acid substitution p.His1001Tyr. To our knowledge, this variant has not been reported in the literature. This variant is reported in 0.00089% of alleles in individuals of European (Non-Finnish) descent in gnomAD. At this time, the clinical significance of this variant is uncertain due to the absence of conclusive functional and genetic evidence.

Ambry Genetics
Classification: Uncertain significance for Inborn genetic diseases. Last evaluated: 2025-06-30. Review status: criteria provided, single submitter. Criteria: Ambry Variant Classification Scheme 2023. Collection method: clinical testing. Allele origin: germline.